The following is an entry in ClinVar:

ClinVar aggregate classification (germline): Uncertain significance (1 of 4 stars; one submission).

Conditions:
Infantile spasms. Also called: Infantile spasm. Identifiers: MedGen C3887898, HP:0012469.

Submission:

Labcorp Genetics (formerly Invitae), Labcorp
Classification: Uncertain significance for Infantile spasms. Last evaluated: 2022-08-16. Review status: criteria provided, single submitter. Criteria: Invitae Variant Classification Sherloc (09022015). Collection method: clinical testing. Allele origin: germline.
Comment: This sequence change replaces histidine, which is basic and polar, with proline, which is neutral and non-polar, at codon 80 of the PIK3AP1 protein (p.His80Pro). Algorithms developed to predict the effect of missense changes on protein structure and function (SIFT, PolyPhen-2, Align-GVGD) all suggest that this variant is likely to be tolerated. In summary, the available evidence is currently insufficient to determine the role of this variant in disease. Therefore, it has been classified as a Variant of Uncertain Significance. ClinVar contains an entry for this variant (Variation ID: 658752). This variant has not been reported in the literature in individuals affected with PIK3AP1-related conditions. This variant is not present in population databases (gnomAD no frequency).

NM_152309.3(PIK3AP1):c.239A>C (p.His80Pro)

Gene: PIK3AP1 (phosphoinositide-3-kinase adaptor protein 1; minus strand). Cytogenetic location: 10q24.1.
Variant type: single nucleotide variant.
Coding change: c.239A>C on transcript NM_152309.3 (MANE Select); coding-DNA position 239, A replaced by C.
Protein change: p.His80Pro; replaces histidine 80 with proline.
Molecular consequence: missense variant.
Genome position (GRCh38, 1-based): chr10:96,709,758, T>G on the plus strand (A>C on the coding strand, the complement: PIK3AP1 is on the minus strand). VCF-style: chr10-96709758-T-G. GRCh37 (hg19) VCF-style: chr10-98469515-T-G.
Other names: short protein forms H80P.
Identifiers: ClinVar variation 658752 (VCV000658752.10), dbSNP rs1589550882, ClinGen allele CA377759709.
Genomic context (GRCh38, chr10:96,709,758, plus strand): 5'-CTGACCACGCGGTGCGGAGGATGGAAAGCTCTCTGCAGCAGGGGCAGCAAGGCGGGCTTG[T>G]GGAAGTGCTGCACCAGCTCCGCGGACAGCAGCACCACGACACAGCGGGTGCTGAGGAAAA-3'
Protein context (NP_689522.2, residues 70-90): LLSAELVQHF[His80Pro]KPALLPLLQR